The following is an entry in ClinVar:

ClinVar aggregate classification (germline): Uncertain significance (1 of 4 stars; one submission).

Conditions:
Multiple endocrine neoplasia type 4. Also called: MULTIPLE ENDOCRINE NEOPLASIA, TYPE IV. Identifiers: Orphanet 276152, MedGen C1970712, MONDO:0012552, OMIM 610755.

Submission:

Labcorp Genetics (formerly Invitae), Labcorp
Classification: Uncertain significance for Multiple endocrine neoplasia type 4. Last evaluated: 2023-10-06. Review status: criteria provided, single submitter. Criteria: Invitae Variant Classification Sherloc (09022015). Collection method: clinical testing. Allele origin: germline.
Comment: This sequence change replaces lysine, which is basic and polar, with glutamine, which is neutral and polar, at codon 47 of the CDKN1B protein (p.Lys47Gln). This variant is not present in population databases (gnomAD no frequency). This variant has not been reported in the literature in individuals affected with CDKN1B-related conditions. An algorithm developed to predict the effect of missense changes on protein structure and function (PolyPhen-2) suggests that this variant is likely to be tolerated. In summary, the available evidence is currently insufficient to determine the role of this variant in disease. Therefore, it has been classified as a Variant of Uncertain Significance.

NM_004064.5(CDKN1B):c.139A>C (p.Lys47Gln)

Gene: CDKN1B (cyclin dependent kinase inhibitor 1B; plus strand). Cytogenetic location: 12p13.1.
Variant type: single nucleotide variant.
Coding change: c.139A>C on transcript NM_004064.5 (MANE Select); coding-DNA position 139, A replaced by C.
Protein change: p.Lys47Gln; replaces lysine 47 with glutamine.
Molecular consequence: missense variant.
Genome position (GRCh38, 1-based): chr12:12,717,978, A>C. VCF-style: chr12-12717978-A-C. GRCh37 (hg19) VCF-style: chr12-12870912-A-C.
Other names: short protein forms K47Q.
Identifiers: ClinVar variation 2766234 (VCV002766234.3), dbSNP rs2497404252, ClinGen allele CA383968909.